The following is an entry in ClinVar:

NM_015443.4(KANSL1):c.767C>T (p.Ser256Phe)

Gene: KANSL1 (KAT8 regulatory NSL complex subunit 1). Cytogenetic location: 17q21.31.
Variant type: single nucleotide variant.
Coding change: c.767C>T on transcript NM_015443.4 (MANE Select); coding-DNA position 767, C replaced by T.
Protein change: p.Ser256Phe; replaces serine 256 with phenylalanine.
Molecular consequence: missense variant.
Genome position (GRCh38, 1-based): chr17:46,171,377, G>A on the plus strand (C>T on the coding strand, the complement: KANSL1 is on the minus strand). VCF-style: chr17-46171377-G-A. GRCh37 (hg19) VCF-style: chr17-44248743-G-A.
Other names: c.767C>T, p.Ser256Phe (NM_001193465.2, NM_001193466.2, NM_001379198.1); short protein forms S256F.
Identifiers: ClinVar variation 468411 (VCV000468411.14), dbSNP rs537773238, ClinGen allele CA8618967.

ClinVar aggregate classification (germline): Conflicting classifications of pathogenicity. Review status: criteria provided, conflicting classifications (1 of 4 stars). 4 submissions from 4 submitters: Uncertain significance (1); Likely benign (3). Last evaluated 2025-05-13.

Conditions:
Koolen-de Vries syndrome (KDVS). Identifiers: Orphanet 96169, MedGen C1864871, MONDO:0012496, OMIM 610443.
Inborn genetic diseases. Identifiers: MedGen C0950123, MeSH D030342.

Allele frequency attached by ClinVar (database versions not stated): gnomAD 0.00002 and 0.00005; TOPMed 0.00003; gnomAD exomes 0.00004 and 0.00008; ExAC 0.00011; 1000 Genomes Project 30x 0.00016; 1000 Genomes Project 0.00020.
gnomAD v4.1: 66 of 1,614,174 alleles (0.0041%); highest among the groups gnomAD compares: East Asian, 0.091%; no homozygotes.

Submissions (4):

Women's Health and Genetics/Laboratory Corporation of America, LabCorp
Classification: Uncertain significance. Last evaluated: 2025-05-13. Review status: criteria provided, single submitter. Criteria: LabCorp Variant Classification Summary - May 2015. Collection method: clinical testing. Allele origin: germline.
Comment: Variant summary: KANSL1 c.767C>T (p.Ser256Phe) results in a non-conservative amino acid change in the encoded protein sequence. Algorithms developed to predict the effect of missense changes on protein structure and function are either unavailable or do not agree on the potential impact of this missense change. The variant allele was found at a frequency of 4.1e-05 in 1614174 control chromosomes, predominantly at a frequency of 0.00091 within the East Asian subpopulation in the gnomAD database. c.767C>T has been reported in the literature in a family affected with developmental dysplasia of the hip (Xu_2022). This report however, does not provide unequivocal conclusions about association of the variant with Koolen-De Vries Syndrome. To our knowledge, no experimental evidence demonstrating an impact on protein function has been reported. The following publication have been ascertained in the context of this evaluation (PMID: 35727364). ClinVar contains an entry for this variant (Variation ID: 468411). Based on the evidence outlined above, the variant was classified as uncertain significance.

Labcorp Genetics (formerly Invitae), Labcorp
Classification: Likely benign for Koolen-de Vries syndrome. Last evaluated: 2024-11-05. Review status: criteria provided, single submitter. Criteria: Invitae Variant Classification Sherloc (09022015). Collection method: clinical testing. Allele origin: germline.

Fulgent Genetics
Classification: Likely benign for Koolen-de Vries syndrome. Last evaluated: 2024-03-06. Review status: criteria provided, single submitter. Criteria: ACMG Guidelines, 2015. Collection method: clinical testing. Allele origin: germline.

Ambry Genetics
Classification: Likely benign for Inborn genetic diseases. Last evaluated: 2021-07-15. Review status: criteria provided, single submitter. Criteria: Ambry Variant Classification Scheme 2023. Collection method: clinical testing. Allele origin: germline.

Literature cited by the submitters: PubMed 35727364 (cited by Women's Health and Genetics/Laboratory Corporation of America, LabCorp).